The following is an entry in ClinVar:

ClinVar aggregate classification (germline): Pathogenic (1 of 4 stars; one submission).

Conditions:
Kleefstra-like syndrome.

Submission:

Spanish Undiagnosed Rare Disease Program-IIER, Instituto de Salud Carlos III
Classification: Pathogenic for Kleefstra-like syndrome. Review status: criteria provided, single submitter. Criteria: ACMG Guidelines, 2015. Collection method: clinical testing, in vitro. Allele origin: de novo, not applicable. Inheritance: Sporadic. Affected: yes. Observed: 1 heterozygote. Functional consequence: loss_of_function_variant.
Comment: This change causes a reduction in the affinity of the catalytic domain for histone H3 tail and in the activity of the enzyme by three- to five-fold. DNA methylation, histone methylation and gene expression profiles suggest a significant overlap between the EHMT2 p.Ala1077Ser variant and Kleefstra Syndrome.

Literature cited by the submitters: DOI 10.1101/2024.01.10.24300997.

NM_006709.5(EHMT2):c.3229G>T (p.Ala1077Ser)

Genes: EHMT2 (euchromatic histone lysine methyltransferase 2; minus strand), EHMT2-AS1 (EHMT2 and SLC44A4 antisense RNA 1; plus strand). Cytogenetic location: 6p21.33.
Variant type: single nucleotide variant.
Coding change: c.3229G>T on transcript NM_006709.5 (MANE Select); coding-DNA position 3229, G replaced by T.
Protein change: p.Ala1077Ser; replaces alanine 1077 with serine.
Molecular consequence: missense variant. On other transcripts: non-coding transcript variant (1).
Genome position (GRCh38, 1-based): chr6:31,881,061, C>A on the plus strand (G>T on the coding strand, the complement: EHMT2 is on the minus strand). VCF-style: chr6-31881061-C-A. GRCh37 (hg19) VCF-style: chr6-31848838-C-A.
Other names: G9A; c.3298G>T, p.Ala1100Ser (NM_001289413.2); c.2623G>T, p.Ala875Ser (NM_001318833.2); c.3400G>T, p.Ala1134Ser (NM_001363689.2); c.3250G>T, p.Ala1084Ser (NM_001395160.1); c.3166G>T, p.Ala1056Ser (NM_001395161.1); c.3151G>T, p.Ala1051Ser (NM_001395162.1); c.3148G>T, p.Ala1050Ser (NM_001395163.1); and 3 more; short protein forms A1042S, A1043S, A1050S, A1051S, A1056S, A1077S, A1084S, A1100S.
Identifiers: ClinVar variation 2687731 (VCV002687731.3), dbSNP rs2481623573, ClinGen allele CA363395041.
Genomic context (GRCh38, chr6:31,881,061, plus strand): 5'-GTCTCCTGCTCACCTTGTTGTCTAAGTCGAAGAGGTAAGAATCATCCTCTCTCACATCAG[C>A]CTCAGCATCAGAGATCAGCTCCCCGACATACCTGTGGGACAGGAATCCATGGTTCTGAAG-3'
Protein context (NP_006700.3, residues 1067-1087): YVGELISDAE[Ala1077Ser]DVREDDSYLF